The following is an entry in ClinVar:

NM_020937.4(FANCM):c.4477del (p.Arg1493fs)

Gene: FANCM (FA complementation group M; plus strand). Cytogenetic location: 14q21.2.
Variant type: Deletion.
Coding change: c.4477del on transcript NM_020937.4 (MANE Select); coding-DNA position 4477, one base deleted (A; older notation c.4477delA).
Protein change: p.Arg1493fs; shifts the reading frame from arginine 1493.
Molecular consequence: frameshift variant.
Genome position (GRCh38, 1-based): chr14:45,183,864, A deleted; the last of 2 consecutive A bases (chr14:45,183,863-45,183,864); deleting either gives the same sequence. VCF-style (leftmost placement, unchanged base first): chr14-45183862-GA-G. GRCh37 (hg19) VCF-style: chr14-45653065-GA-G.
Other names: c.4399del, p.Arg1467fs (NM_001308133.2); short protein forms R1467fs, R1493fs.
Identifiers: ClinVar variation 936956 (VCV000936956.8), dbSNP rs1889219103, ClinGen allele CA1139663464.

ClinVar aggregate classification (germline): Pathogenic/Likely pathogenic. Review status: criteria provided, multiple submitters, no conflicts (2 of 4 stars). 2 submissions from 2 submitters: Pathogenic (1); Likely pathogenic (1). Last evaluated 2023-09-05.

Conditions:
Fanconi anemia (FA). Also called: Fanconi's anemia. Identifiers: Orphanet 84, MedGen C0015625, MeSH D005199, MONDO:0019391.
Premature ovarian failure 15. Identifiers: MedGen C4748170, MONDO:0054862, OMIM 618096.

Submissions (2):

Baylor Genetics
Classification: Likely pathogenic for Premature ovarian failure 15. Last evaluated: 2023-09-05. Review status: criteria provided, single submitter. Criteria: ACMG Guidelines, 2015. Collection method: clinical testing. Allele origin: unknown.

Labcorp Genetics (formerly Invitae), Labcorp
Classification: Pathogenic for Fanconi anemia. Last evaluated: 2020-04-27. Review status: criteria provided, single submitter. Criteria: Invitae Variant Classification Sherloc (09022015). Collection method: clinical testing. Allele origin: germline.
Comment: This sequence change creates a premature translational stop signal (p.Arg1493Glufs*12) in the FANCM gene. It is expected to result in an absent or disrupted protein product. This variant is not present in population databases (ExAC no frequency). This variant has not been reported in the literature in individuals with FANCM-related conditions. Loss-of-function variants in FANCM are known to be pathogenic (PMID: 29895858, 30075111). For these reasons, this variant has been classified as Pathogenic.

Literature cited by the submitters: PubMed 29895858 (cited by Labcorp Genetics (formerly Invitae), Labcorp); PubMed 30075111 (cited by Labcorp Genetics (formerly Invitae), Labcorp).